The following is an entry in ClinVar:

NM_000051.4(ATM):c.8987+8G>C

Genes: ATM (ATM serine/threonine kinase; plus strand), C11orf65 (chromosome 11 open reading frame 65; minus strand). Cytogenetic location: 11q22.3.
Variant type: single nucleotide variant.
Coding change: c.8987+8G>C on transcript NM_000051.4 (MANE Select); 8 bases into the intron after coding-DNA position 8987, G replaced by C.
Molecular consequence: intron variant.
Genome position (GRCh38, 1-based): chr11:108,365,226, G>C. VCF-style: chr11-108365226-G-C. GRCh37 (hg19) VCF-style: chr11-108235953-G-C.
Other names: c.8987+8G>C (NM_001351834.2); c.640+20694C>G (NM_001330368.2); c.694+20694C>G (NM_001351110.2).
Identifiers: ClinVar variation 1566920 (VCV001566920.10), dbSNP rs2137889967, ClinGen allele CA2573146501.

ClinVar aggregate classification (germline): Likely benign. Review status: criteria provided, multiple submitters, no conflicts (2 of 4 stars). 2 submissions from 2 submitters: Likely benign (2). Last evaluated 2024-06-24.

Conditions:
Familial cancer of breast. Also called: BREAST CANCER, FAMILIAL; Hereditary breast cancer; hereditary breast carcinoma. Identifiers: Orphanet 227535, MedGen C0346153, MONDO:0016419, OMIM 114480. Disease mechanism: loss of function.
Ataxia-telangiectasia syndrome (AT). Also called: LOUIS-BAR SYNDROME; Cerebello-oculocutaneous telangiectasia; Immunodeficiency with ataxia telangiectasia; Ataxia telangiectasia (A-T); Ataxia-telangiectasia, complementation group D; AT, COMPLEMENTATION GROUP C. Identifiers: Orphanet 100, MedGen C0004135, MONDO:0008840, OMIM 208900.

Submissions (2):

Myriad Genetics, Inc.
Classification: Likely benign for Familial cancer of breast. Last evaluated: 2024-06-24. Review status: criteria provided, single submitter. Criteria: Myriad Autosomal Dominant, Autosomal Recessive and X-Linked Classification Criteria (2023). Collection method: clinical testing. Allele origin: unknown.
Comment: This variant is considered likely benign. This variant is intronic and is not expected to impact mRNA splicing.

Labcorp Genetics (formerly Invitae), Labcorp
Classification: Likely benign for Ataxia-telangiectasia syndrome. Last evaluated: 2021-06-18. Review status: criteria provided, single submitter. Criteria: Invitae Variant Classification Sherloc (09022015). Collection method: clinical testing. Allele origin: germline.